The following is an entry in ClinVar:

NM_001009944.3(PKD1):c.1402A>T (p.Ile468Phe)

Gene: PKD1 (polycystin 1, transient receptor potential channel interacting; minus strand). Cytogenetic location: 16p13.3.
Variant type: single nucleotide variant.
Coding change: c.1402A>T on transcript NM_001009944.3 (MANE Select); coding-DNA position 1402, A replaced by T.
Protein change: p.Ile468Phe; replaces isoleucine 468 with phenylalanine.
Molecular consequence: missense variant.
Genome position (GRCh38, 1-based): chr16:2,117,037, T>A on the plus strand (A>T on the coding strand, the complement: PKD1 is on the minus strand). VCF-style: chr16-2117037-T-A. GRCh37 (hg19) VCF-style: chr16-2167038-T-A.
Other names: c.1402A>T, p.Ile468Phe (NM_000296.4); short protein forms I468F.
Identifiers: ClinVar variation 4534905 (VCV004534905.6).

ClinVar aggregate classification (germline): Uncertain significance (1 of 4 stars; one submission).

Submission:

CeGaT Center for Human Genetics Tuebingen
Classification: Uncertain significance. Last evaluated: 2025-10-01. Review status: criteria provided, single submitter. Criteria: CeGaT Center For Human Genetics Tuebingen Variant Classification Criteria Version 2. Collection method: clinical testing. Allele origin: germline. Affected: yes. Observed: 1 variant allele.
Comment: PKD1: PM2